The following is an entry in ClinVar:

ClinVar aggregate classification (germline): Likely pathogenic (1 of 4 stars; one submission).

Conditions:
Ciliary dyskinesia, primary, 36, X-linked (CILD36). Also called: CILIARY DYSKINESIA, PRIMARY, 36, WITH OR WITHOUT SITUS INVERSUS. Identifiers: MedGen C4478372, MONDO:0010517, OMIM 300991.

Submission:

Center for Genomics, Ann and Robert H. Lurie Children's Hospital of Chicago
Classification: Likely pathogenic for Ciliary dyskinesia, primary, 36, X-linked. Last evaluated: 2026-09-30. Review status: criteria provided, single submitter. Criteria: ACMG Guidelines, 2015. Collection method: clinical testing. Allele origin: de novo. Inheritance: X-linked inheritance. Affected: yes. Observed: 1 variant allele, 1 hemizygote.
Comment: This variant is not present in large control databases. Evolutionary conservation and computational prediction tools for this variant are limited or unavailable. This variant is a deletion of 1 nucleotide and creates a premature stop at this codon, which is expected to result in an absent or abnormal protein. Loss of function variants have been reported in association with disease for this gene (Olcese 2017 PMID: 28176794). Of note, this variant occurs within the last exon of this gene; due to its position, it is possible that this mRNA may escape nonsense-mediated decay. Further studies are needed to understand its impact. In summary, data on this variant is highly suspicious for disease, but requires further evidence for pathogenicity. Therefore, the clinical significance of this variant is likely pathogenic.

Literature cited by the submitters: PubMed 28176794.

NM_173494.2(DNAAF6):c.526del (p.Leu175_Ile176insTer)

Gene: DNAAF6 (dynein axonemal assembly factor 6; plus strand). Cytogenetic location: Xq22.3.
Variant type: Deletion.
Coding change: c.526del on transcript NM_173494.2 (MANE Select); coding-DNA position 526, one base deleted (A; older notation c.526delA).
Protein change: p.Leu175_Ile176insTer.
Molecular consequence: nonsense.
Genome position (GRCh38, 1-based): chrX:107,243,179, A deleted. VCF-style (leftmost placement, unchanged base first): chrX-107243178-GA-G. GRCh37 (hg19) VCF-style: chrX-106486408-GA-G.
Other names: c.526del, p.Leu175_Ile176insTer (NM_001169154.2).
Identifiers: ClinVar variation 5010316 (VCV005010316.1).